The following is an entry in ClinVar:

NM_005732.4(RAD50):c.2318C>T (p.Thr773Ile)

Gene: RAD50 (RAD50 double strand break repair protein; plus strand). Cytogenetic location: 5q31.1.
Variant type: single nucleotide variant.
Coding change: c.2318C>T on transcript NM_005732.4 (MANE Select); coding-DNA position 2318, C replaced by T.
Protein change: p.Thr773Ile; replaces threonine 773 with isoleucine.
Molecular consequence: missense variant.
Genome position (GRCh38, 1-based): chr5:132,603,410, C>T. VCF-style: chr5-132603410-C-T. GRCh37 (hg19) VCF-style: chr5-131939102-C-T.
Other names: short protein forms T773I.
Identifiers: ClinVar variation 3942156 (VCV003942156.1).
Genomic context (GRCh38, chr5:132,603,410, plus strand): 5'-AACTGCAGAATGTCAATAGAGACATACAGCGCCTAAAGAACGACATAGAAGAACAAGAAA[C>T]ACTCTTGGGTACAATAATGCCTGAAGAAGAAAGTGCCAAAGTATGCCTGACAGATGTTAC-3'
Protein context (NP_005723.2, residues 763-783): RLKNDIEEQE[Thr773Ile]LLGTIMPEEE

ClinVar aggregate classification (germline): Uncertain significance (1 of 4 stars; one submission).

Conditions:
Hereditary cancer-predisposing syndrome. Also called: Tumor predisposition; Hereditary neoplastic syndrome; Hereditary Cancer Syndrome; Neoplastic Syndromes, Hereditary. Identifiers: Orphanet 140162, MedGen C0027672, MeSH D009386, MONDO:0015356.

Submission:

Ambry Genetics
Classification: Uncertain significance for Hereditary cancer-predisposing syndrome. Last evaluated: 2025-03-22. Review status: criteria provided, single submitter. Criteria: Ambry Variant Classification Scheme 2023. Collection method: clinical testing. Allele origin: germline.
Comment: The p.T773I variant (also known as c.2318C>T), located in coding exon 14 of the RAD50 gene, results from a C to T substitution at nucleotide position 2318. The threonine at codon 773 is replaced by isoleucine, an amino acid with similar properties. This amino acid position is conserved. In addition, the in silico prediction for this alteration is inconclusive. Based on the available evidence, the clinical significance of this variant remains unclear.